The following is an entry in ClinVar:

NM_001211.6(BUB1B):c.430A>G (p.Asn144Asp)

Gene: BUB1B (BUB1 mitotic checkpoint serine/threonine kinase B; plus strand). Cytogenetic location: 15q15.1.
Variant type: single nucleotide variant.
Coding change: c.430A>G on transcript NM_001211.6 (MANE Select); coding-DNA position 430, A replaced by G.
Protein change: p.Asn144Asp; replaces asparagine 144 with aspartic acid.
Molecular consequence: missense variant.
Genome position (GRCh38, 1-based): chr15:40,176,522, A>G. VCF-style: chr15-40176522-A-G. GRCh37 (hg19) VCF-style: chr15-40468723-A-G.
Other names: c.430A>G (NM_001211.5); short protein forms N144D.
Identifiers: ClinVar variation 1421340 (VCV001421340.9), dbSNP rs2037225429, ClinGen allele CA391681142.

ClinVar aggregate classification (germline): Uncertain significance. Review status: criteria provided, multiple submitters, no conflicts (2 of 4 stars). 2 submissions from 2 submitters: Uncertain significance (2). Last evaluated 2025-11-05.

Conditions:
Inborn genetic diseases. Identifiers: MedGen C0950123, MeSH D030342.
Mosaic variegated aneuploidy syndrome 1 (MVA1). Also called: Warburton-Anyane-Yeboa syndrome. Identifiers: Orphanet 1052, MedGen C1850343, MONDO:0009759, OMIM 257300.

Allele frequency attached by ClinVar (database versions not stated): gnomAD 0.00001.
gnomAD v4.1: 1 of 1,614,062 alleles (0.000062%); no homozygotes.

Submissions (2):

Ambry Genetics
Classification: Uncertain significance for Inborn genetic diseases. Last evaluated: 2025-11-05. Review status: criteria provided, single submitter. Criteria: Ambry Variant Classification Scheme 2023. Collection method: clinical testing. Allele origin: germline.
Comment: The p.N144D variant (also known as c.430A>G), located in coding exon 5 of the BUB1B gene, results from an A to G substitution at nucleotide position 430. The asparagine at codon 144 is replaced by aspartic acid, an amino acid with highly similar properties. This amino acid position is conserved. In addition, this alteration is predicted to be tolerated by in silico analysis. Based on the available evidence, the clinical significance of this variant remains unclear.

Labcorp Genetics (formerly Invitae), Labcorp
Classification: Uncertain significance for Mosaic variegated aneuploidy syndrome 1. Last evaluated: 2021-04-13. Review status: criteria provided, single submitter. Criteria: Invitae Variant Classification Sherloc (09022015). Collection method: clinical testing. Allele origin: germline.
Comment: In summary, the available evidence is currently insufficient to determine the role of this variant in disease. Therefore, it has been classified as a Variant of Uncertain Significance. Algorithms developed to predict the effect of missense changes on protein structure and function (SIFT, PolyPhen-2, Align-GVGD) all suggest that this variant is likely to be tolerated, but these predictions have not been confirmed by published functional studies and their clinical significance is uncertain. This variant has not been reported in the literature in individuals with BUB1B-related conditions. This variant is not present in population databases (ExAC no frequency). This sequence change replaces asparagine with aspartic acid at codon 144 of the BUB1B protein (p.Asn144Asp). The asparagine residue is weakly conserved and there is a small physicochemical difference between asparagine and aspartic acid.